The following is an entry in ClinVar:

NM_000642.3(AGL):c.1690del (p.Asp564fs)

Gene: AGL (amylo-alpha-1,6-glucosidase and 4-alpha-glucanotransferase; plus strand). Cytogenetic location: 1p21.2.
Variant type: Deletion.
Coding change: c.1690del on transcript NM_000642.3 (MANE Select); coding-DNA position 1690, one base deleted (G; older notation c.1690delG).
Protein change: p.Asp564fs; shifts the reading frame from aspartic acid 564.
Molecular consequence: frameshift variant.
Genome position (GRCh38, 1-based): chr1:99,880,001, G deleted; the last of 2 consecutive G bases (chr1:99,880,000-99,880,001); deleting either gives the same sequence. VCF-style (leftmost placement, unchanged base first): chr1-99879999-TG-T. GRCh37 (hg19) VCF-style: chr1-100345555-TG-T.
Other names: c.1690del, p.Asp564fs (NM_001425325.1, NM_001425326.1, NM_000028.3 and 2 more transcripts); c.1489del, p.Asp497fs (NM_001425327.1); c.1486del, p.Asp496fs (NM_001425328.1, NM_001425329.1); c.1312del, p.Asp438fs (NM_001425332.1); c.1642del, p.Asp548fs (NM_000646.3); short protein forms D497fs, D438fs, D548fs, D496fs, D564fs.
Identifiers: ClinVar variation 3660345 (VCV003660345.2).

ClinVar aggregate classification (germline): Pathogenic (1 of 4 stars; one submission).

Conditions:
Glycogen storage disease type III (GSD3). Also called: FORBES DISEASE; Cori disease. Identifiers: Orphanet 366, MedGen C0017922, MONDO:0009291, OMIM 232400.

Submission:

Labcorp Genetics (formerly Invitae), Labcorp
Classification: Pathogenic for Glycogen storage disease type III. Last evaluated: 2024-09-23. Review status: criteria provided, single submitter. Criteria: Invitae Variant Classification Sherloc (09022015). Collection method: clinical testing. Allele origin: germline.
Comment: This sequence change creates a premature translational stop signal (p.Asp564Thrfs*13) in the AGL gene. It is expected to result in an absent or disrupted protein product. Loss-of-function variants in AGL are known to be pathogenic (PMID: 19299494). This variant is not present in population databases (gnomAD no frequency). This variant has not been reported in the literature in individuals affected with AGL-related conditions. Algorithms developed to predict the effect of sequence changes on RNA splicing suggest that this variant may disrupt the consensus splice site. For these reasons, this variant has been classified as Pathogenic.

Literature cited by the submitters: PubMed 19299494.